The following is an entry in ClinVar:

ClinVar aggregate classification (germline): Uncertain significance. Review status: criteria provided, single submitter (1 of 4 stars). 2 submissions from 2 submitters: Uncertain significance (1). 1 of the submissions does not count toward it. Last evaluated 2025-07-08.

Conditions:
Cystinuria (CSNU). Also called: Cystinuria, non-type I; CYSTINURIA, TYPE I; CYSTINURIA, TYPE II; CYSTINURIA, TYPE III. Identifiers: Orphanet 214, MedGen C0010691, MONDO:0009067, OMIM 220100, HP:0003131.

Submissions (2):

Women's Health and Genetics/Laboratory Corporation of America, LabCorp
Classification: Uncertain significance. Last evaluated: 2025-07-08. Review status: criteria provided, single submitter. Criteria: LabCorp Variant Classification Summary - May 2015. Collection method: clinical testing. Allele origin: germline.
Comment: Variant summary: SLC7A9 c.133G>C (p.Gly45Arg) results in a non-conservative amino acid change in the encoded protein sequence. Algorithms developed to predict the effect of missense changes on protein structure and function all suggest that this variant is likely to be disruptive. The variant was absent in 251440 control chromosomes. The available data on variant occurrences in the general population are insufficient to allow any conclusion about variant significance. c.133G>C has been observed in at least one individual affected with Cystinuria (example: Zhan_2022). These data do not allow any conclusion about variant significance. To our knowledge, no experimental evidence demonstrating an impact on protein function has been reported. The following publications have been ascertained in the context of this evaluation (PMID: 37306718, 36571637). ClinVar contains an entry for this variant (Variation ID: 3359167). Based on the evidence outlined above, the variant was classified as uncertain significance.

Chinese Inherited Urolithiasis Consortium, The Affiliated Yantai Yuhuangding Hospital of Qingdao University
Classification: Likely pathogenic for Cystinuria. Last evaluated: 2024-08-26. Review status: no assertion criteria provided. Collection method: clinical testing. Allele origin: paternal. Affected: yes. Observed: 1 variant allele. Not counted in ClinVar's aggregate classification.

Literature cited by the submitters: PubMed 37306718 (cited by Women's Health and Genetics/Laboratory Corporation of America, LabCorp); PubMed 36571637 (cited by Women's Health and Genetics/Laboratory Corporation of America, LabCorp).

NM_014270.5(SLC7A9):c.133G>C (p.Gly45Arg)

Gene: SLC7A9 (solute carrier family 7 member 9; minus strand). Cytogenetic location: 19q13.11.
Variant type: single nucleotide variant.
Coding change: c.133G>C on transcript NM_014270.5 (MANE Select); coding-DNA position 133, G replaced by C.
Protein change: p.Gly45Arg; replaces glycine 45 with arginine.
Molecular consequence: missense variant.
Genome position (GRCh38, 1-based): chr19:32,864,731, C>G on the plus strand (G>C on the coding strand, the complement: SLC7A9 is on the minus strand). VCF-style: chr19-32864731-C-G. GRCh37 (hg19) VCF-style: chr19-33355637-C-G.
Other names: c.133G>C, p.Gly45Arg (NM_001126335.2, NM_001243036.2); short protein forms G45R.
Identifiers: ClinVar variation 3359167 (VCV003359167.3).